The following is an entry in ClinVar:

NM_024996.7(GFM1):c.689+1G>A

Gene: GFM1 (G elongation factor mitochondrial 1; plus strand). Cytogenetic location: 3q25.32.
Variant type: single nucleotide variant.
Coding change: c.689+1G>A on transcript NM_024996.7 (MANE Select); the canonical splice donor site of the intron after coding-DNA position 689, G replaced by A.
Molecular consequence: splice donor variant. On other transcripts: intron variant (3).
Genome position (GRCh38, 1-based): chr3:158,649,158, G>A. VCF-style: chr3-158649158-G-A. GRCh37 (hg19) VCF-style: chr3-158366947-G-A.
Other names: c.689+1G>A (NM_001308164.2, NM_001374355.1, NM_001308166.2); c.464+1G>A (NM_001374357.1); c.572+2211G>A (NM_001374356.1); c.122+1G>A (NM_001374359.1, NM_001374360.1); c.6-2938G>A (NM_001374361.1); c.235-2942G>A (NM_001374358.1).
Identifiers: ClinVar variation 1346304 (VCV001346304.11), dbSNP rs1449057162, ClinGen allele CA355176439.

ClinVar aggregate classification (germline): Likely pathogenic. Review status: criteria provided, multiple submitters, no conflicts (2 of 4 stars). 2 submissions from 2 submitters: Likely pathogenic (2). Last evaluated 2024-01-29.

Conditions:
Hepatoencephalopathy due to combined oxidative phosphorylation defect type 1. Also called: HEPATOENCEPHALOPATHY, EARLY FATAL PROGRESSIVE. Identifiers: Orphanet 137681, MedGen C1836797, MONDO:0012191, OMIM 609060.

Allele frequency attached by ClinVar (database versions not stated): gnomAD exomes below 0.00001; TOPMed below 0.00001; gnomAD 0.00001.
gnomAD v4.1: 2 of 1,147,712 alleles (0.00017%); highest among the groups gnomAD compares: Non-Finnish European, 0.00026%; no homozygotes.

Submissions (2):

Labcorp Genetics (formerly Invitae), Labcorp
Classification: Likely pathogenic. Last evaluated: 2024-01-29. Review status: criteria provided, single submitter. Criteria: Invitae Variant Classification Sherloc (09022015). Collection method: clinical testing. Allele origin: germline.
Comment: This sequence change affects a donor splice site in intron 5 of the GFM1 gene. It is expected to disrupt RNA splicing. Variants that disrupt the donor or acceptor splice site typically lead to a loss of protein function (PMID: 16199547), and loss-of-function variants in GFM1 are known to be pathogenic (PMID: 16632485, 17160893). This variant is present in population databases (no rsID available, gnomAD 0.0009%). This variant has not been reported in the literature in individuals affected with GFM1-related conditions. ClinVar contains an entry for this variant (Variation ID: 1346304). Algorithms developed to predict the effect of sequence changes on RNA splicing suggest that this variant may disrupt the consensus splice site. In summary, the currently available evidence indicates that the variant is pathogenic, but additional data are needed to prove that conclusively. Therefore, this variant has been classified as Likely Pathogenic.

Baylor Genetics
Classification: Likely pathogenic for Hepatoencephalopathy due to combined oxidative phosphorylation defect type 1. Last evaluated: 2023-07-27. Review status: criteria provided, single submitter. Criteria: ACMG Guidelines, 2015. Collection method: clinical testing. Allele origin: unknown.

Literature cited by the submitters: PubMed 16199547 (cited by Labcorp Genetics (formerly Invitae), Labcorp); PubMed 16632485 (cited by Labcorp Genetics (formerly Invitae), Labcorp); PubMed 17160893 (cited by Labcorp Genetics (formerly Invitae), Labcorp).